The following is an entry in ClinVar:

NM_000540.3(RYR1):c.11377G>A (p.Val3793Met)

Gene: RYR1 (ryanodine receptor 1; plus strand). Cytogenetic location: 19q13.2.
Variant type: single nucleotide variant.
Coding change: c.11377G>A on transcript NM_000540.3 (MANE Select); coding-DNA position 11377, G replaced by A.
Protein change: p.Val3793Met; replaces valine 3793 with methionine.
Molecular consequence: missense variant.
Genome position (GRCh38, 1-based): chr19:38,535,158, G>A. VCF-style: chr19-38535158-G-A. GRCh37 (hg19) VCF-style: chr19-39025798-G-A.
Other names: c.11362G>A, p.Val3788Met (NM_001042723.2); short protein forms V3788M, V3793M.
Identifiers: ClinVar variation 5017291 (VCV005017291.1).

ClinVar aggregate classification (germline): Uncertain significance (1 of 4 stars; one submission).

gnomAD v4.1: 1 of 1,613,944 alleles (0.000062%); highest among the groups gnomAD compares: Non-Finnish European, 0.000085%; no homozygotes.

Submission:

GeneDx
Classification: Uncertain significance. Last evaluated: 2026-03-25. Review status: criteria provided, single submitter. Criteria: GeneDx Variant Classification Process June 2021. Collection method: clinical testing. Allele origin: germline.
Comment: Not observed at significant frequency in large population cohorts (gnomAD); In silico analysis supports that this missense variant has a deleterious effect on protein structure/function; Has not been previously published as pathogenic or benign to our knowledge